The following is an entry in ClinVar:

ClinVar aggregate classification (germline): Likely pathogenic (1 of 4 stars; one submission).

Conditions:
Spinal muscular atrophy with congenital bone fractures 1 (SMABF1). Also called: SMA1 with congenital bone fractures. Identifiers: MedGen C4225177, MONDO:0014806, OMIM 616866.

gnomAD v4.1: 5 of 1,606,260 alleles (0.00031%); highest among the groups gnomAD compares: South Asian, 0.0011%; no homozygotes.

Submission:

Clinical Biomedical Laboratory, Shriners Hospital For Children - Canada
Classification: Likely pathogenic for Spinal muscular atrophy with congenital bone fractures 1. Review status: criteria provided, single submitter. Criteria: ACMG Guidelines, 2015. Collection method: clinical testing. Allele origin: germline. Affected: yes.
Comment: This variant is absent from the Genome Aggregation Database, v2.1.1, indicating it is rare. SpliceAI predicts a loss of a splice acceptor site (delta score 0.98). Loss of function in TRIP4 is associated with congenital muscle disease (PMID: 27008887), which corresponds to the clinical phenotype of the proband. Based on the ACMG variant interpretation guidelines, the available evidence supports classification of this variant as likely pathogenic.

NM_016213.5(TRIP4):c.1484-2A>G

Gene: TRIP4 (thyroid hormone receptor interactor 4; plus strand). Cytogenetic location: 15q22.31.
Variant type: single nucleotide variant.
Coding change: c.1484-2A>G on transcript NM_016213.5 (MANE Select); the canonical splice acceptor site of the intron before coding-DNA position 1484, A replaced by G.
Molecular consequence: splice acceptor variant.
Genome position (GRCh38, 1-based): chr15:64,425,538, A>G. VCF-style: chr15-64425538-A-G. GRCh37 (hg19) VCF-style: chr15-64717737-A-G.
Other names: c.794-2A>G (NM_001321924.2).
Identifiers: ClinVar variation 4819339 (VCV004819339.1).